The following is an entry in ClinVar:

NM_006005.3(WFS1):c.130C>A (p.Pro44Thr)

Gene: WFS1 (wolframin ER transmembrane glycoprotein; plus strand). Cytogenetic location: 4p16.1.
Variant type: single nucleotide variant.
Coding change: c.130C>A on transcript NM_006005.3 (MANE Select); coding-DNA position 130, C replaced by A.
Protein change: p.Pro44Thr; replaces proline 44 with threonine.
Molecular consequence: missense variant.
Genome position (GRCh38, 1-based): chr4:6,277,585, C>A. VCF-style: chr4-6277585-C-A. GRCh37 (hg19) VCF-style: chr4-6279312-C-A.
Other names: c.130C>A, p.Pro44Thr (NM_001145853.1); short protein forms P44T.
Identifiers: ClinVar variation 2200405 (VCV002200405.4), dbSNP rs766861457, ClinGen allele CA91787399.

ClinVar aggregate classification (germline): Uncertain significance (1 of 4 stars; one submission).

Allele frequency attached by ClinVar (database versions not stated): gnomAD 0.00001; TOPMed 0.00001.
gnomAD v4.1: 20 of 1,582,186 alleles (0.0013%); highest among the groups gnomAD compares: South Asian, 0.0035%; no homozygotes.

Submission:

Labcorp Genetics (formerly Invitae), Labcorp
Classification: Uncertain significance. Last evaluated: 2025-01-29. Review status: criteria provided, single submitter. Criteria: Invitae Variant Classification Sherloc (09022015). Collection method: clinical testing. Allele origin: germline.
Comment: This sequence change replaces proline, which is neutral and non-polar, with threonine, which is neutral and polar, at codon 44 of the WFS1 protein (p.Pro44Thr). The frequency data for this variant in the population databases is considered unreliable, as metrics indicate poor data quality at this position in the gnomAD database. This variant has not been reported in the literature in individuals affected with WFS1-related conditions. ClinVar contains an entry for this variant (Variation ID: 2200405). Invitae Evidence Modeling of protein sequence and biophysical properties (such as structural, functional, and spatial information, amino acid conservation, physicochemical variation, residue mobility, and thermodynamic stability) indicates that this missense variant is not expected to disrupt WFS1 protein function with a negative predictive value of 80%. In summary, the available evidence is currently insufficient to determine the role of this variant in disease. Therefore, it has been classified as a Variant of Uncertain Significance.